The following is an entry in ClinVar:

NM_014003.4(DHX38):c.1582C>T (p.Gln528Ter)

Gene: DHX38 (DEAH-box helicase 38; plus strand). Cytogenetic location: 16q22.2.
Variant type: single nucleotide variant.
Coding change: c.1582C>T on transcript NM_014003.4 (MANE Select); coding-DNA position 1582, C replaced by T.
Protein change: p.Gln528Ter; replaces glutamine 528 with a stop codon.
Molecular consequence: nonsense.
Genome position (GRCh38, 1-based): chr16:72,103,156, C>T. VCF-style: chr16-72103156-C-T. GRCh37 (hg19) VCF-style: chr16-72137055-C-T.
Other names: short protein forms Q528*.
Identifiers: ClinVar variation 938461 (VCV000938461.7), dbSNP rs2042123542, ClinGen allele CA396707547.

ClinVar aggregate classification (germline): Uncertain significance (1 of 4 stars; one submission).

Submission:

Labcorp Genetics (formerly Invitae), Labcorp
Classification: Uncertain significance. Last evaluated: 2019-09-14. Review status: criteria provided, single submitter. Criteria: Invitae Variant Classification Sherloc (09022015). Collection method: clinical testing. Allele origin: germline.
Comment: In summary, the available evidence is currently insufficient to determine the role of this variant in disease. Therefore, it has been classified as a Variant of Uncertain Significance. The current clinical and genetic evidence is not sufficient to establish whether loss-of-function variants in DHX38 cause disease. This variant has not been reported in the literature in individuals with DHX38-related conditions. This variant is not present in population databases (ExAC no frequency). This sequence change creates a premature translational stop signal (p.Gln528*) in the DHX38 gene. It is expected to result in an absent or disrupted protein product.